The following is an entry in ClinVar:

ClinVar aggregate classification (germline): Likely pathogenic. Review status: criteria provided, multiple submitters, no conflicts (2 of 4 stars). 6 submissions from 3 submitters: Likely pathogenic (2). 4 of the submissions do not count toward it. Last evaluated 2025-06-05.

Conditions:
Achondrogenesis, type IB (ACG1B). Also called: Achondrogenesis Type 1B. Identifiers: Orphanet 932, Orphanet 93298, MedGen C0265274, MONDO:0010966, OMIM 600972.
Diastrophic dysplasia (DTD). Also called: Diastrophic dwarfism. Identifiers: Orphanet 628, MedGen C0220726, MONDO:0009107, OMIM 222600.
Atelosteogenesis type II (AO2). Also called: NEONATAL OSSEOUS DYSPLASIA I; Neonatal osseous dysplasia 1; SLC26A2-Related Atelosteogenesis. Identifiers: Orphanet 56304, MedGen C1850554, MONDO:0009727, OMIM 256050.
Multiple epiphyseal dysplasia type 4 (EDM4). Also called: MULTIPLE EPIPHYSEAL DYSPLASIA WITH BILAYERED PATELLAE; MULTIPLE EPIPHYSEAL DYSPLASIA WITH CLUBFOOT; MULTIPLE EPIPHYSEAL DYSPLASIA, AUTOSOMAL RECESSIVE; Multiple Epiphyseal Dysplasia, Recessive; SLC26A2-Related Multiple Epiphyseal Dysplasia. Identifiers: Orphanet 93307, MedGen C1847593, MONDO:0009189, OMIM 226900.

Allele frequency attached by ClinVar (database versions not stated): gnomAD exomes below 0.00001.

Submissions (6):

Natera, Inc.
Classification: Likely pathogenic for Achondrogenesis type IB. Last evaluated: 2025-06-05. Review status: criteria provided, single submitter. Criteria: Natera Variant Classification Schema (03/2026). Collection method: clinical testing. Allele origin: germline.
Comment: The c.1311dupT variant in SLC26A2 is a frameshift variant predicted to shift the reading frame beginning at codon 438 and leads to a stop codon 9 codons downstream. This variant is expected to result in nonsense mediated decay, truncation, or a dysfunctional protein product. This variant is rare in the general population with a frequency below the threshold expected for the associated phenotype(s). Given the available evidence, this variant is classified as Likely Pathogenic.

Baylor Genetics
Classification: Likely pathogenic for Achondrogenesis, type IB. Last evaluated: 2024-02-19. Review status: criteria provided, single submitter. Criteria: ACMG Guidelines, 2015. Collection method: clinical testing. Allele origin: unknown.

Counsyl
Classification: Likely pathogenic for Diastrophic dysplasia. Last evaluated: 2016-02-09. Review status: no assertion criteria provided. Collection method: clinical testing. Allele origin: unknown. Not counted in ClinVar's aggregate classification.

Counsyl
Classification: Likely pathogenic for Multiple epiphyseal dysplasia type 4. Last evaluated: 2016-02-09. Review status: no assertion criteria provided. Collection method: clinical testing. Allele origin: unknown. Not counted in ClinVar's aggregate classification.

Counsyl
Classification: Likely pathogenic for Atelosteogenesis type II. Last evaluated: 2016-02-09. Review status: no assertion criteria provided. Collection method: clinical testing. Allele origin: unknown. Not counted in ClinVar's aggregate classification.

Counsyl
Classification: Likely pathogenic for Achondrogenesis, type IB. Last evaluated: 2016-02-09. Review status: no assertion criteria provided. Collection method: clinical testing. Allele origin: unknown. Not counted in ClinVar's aggregate classification.

NM_000112.4(SLC26A2):c.1311dup (p.Ala438fs)

Gene: SLC26A2 (solute carrier family 26 member 2; plus strand). Cytogenetic location: 5q32.
Variant type: Duplication.
Coding change: c.1311dup on transcript NM_000112.4 (MANE Select); coding-DNA position 1311, one base duplicated (T; older notation c.1311dupT).
Protein change: p.Ala438fs; shifts the reading frame from alanine 438.
Molecular consequence: frameshift variant.
Genome position (GRCh38, 1-based): chr5:149,980,904, T duplicated. VCF-style (leftmost placement, unchanged base first): chr5-149980903-G-GT. GRCh37 (hg19) VCF-style: chr5-149360466-G-GT.
Other names: c.1311dupT (NM_000112.3); short protein forms A438fs.
Identifiers: ClinVar variation 371704 (VCV000371704.5), dbSNP rs1057517471, ClinGen allele CA16040995.
Genomic context (GRCh38, chr5:149,980,903, plus strand): 5'-AAATGTATGCCATTGGCTTTTGTAATATCATCCCTTCCTTCTTCCACTGTTTTACTACTA[G>GT]TGCAGCTCTTGCAAAGACATTGGTTAAAGAATCAACAGGCTGCCATACTCAGCTTTCTGG-3'